The following is an entry in ClinVar:

NM_006612.6(KIF1C):c.865-1G>A

Genes: KIF1C (kinesin family member 1C; plus strand), LOC126862472 (CDK7 strongly-dependent group 2 enhancer GRCh37_chr17:4906716-4907915; plus strand). Cytogenetic location: 17p13.2.
Variant type: single nucleotide variant.
Coding change: c.865-1G>A on transcript NM_006612.6 (MANE Select); the canonical splice acceptor site of the intron before coding-DNA position 865, G replaced by A.
Molecular consequence: splice acceptor variant.
Genome position (GRCh38, 1-based): chr17:5,003,997, G>A. VCF-style: chr17-5003997-G-A. GRCh37 (hg19) VCF-style: chr17-4907292-G-A.
Identifiers: ClinVar variation 4728367 (VCV004728367.1).

ClinVar aggregate classification (germline): Likely pathogenic (1 of 4 stars; one submission).

Conditions:
Spastic ataxia 2. Also called: Ataxia, spastic, 2, autosomal recessive. Identifiers: Orphanet 397946, MedGen C1969796, MONDO:0012651, OMIM 611302.

gnomAD v4.1: 2 of 1,613,926 alleles (0.00012%); highest among the groups gnomAD compares: Non-Finnish European, 0.00017%; no homozygotes.

Submission:

Labcorp Genetics (formerly Invitae), Labcorp
Classification: Likely pathogenic for Spastic ataxia 2. Last evaluated: 2025-10-03. Review status: criteria provided, single submitter. Criteria: Invitae Variant Classification Sherloc (09022015). Collection method: clinical testing. Allele origin: germline.
Comment: This sequence change affects an acceptor splice site in intron 10 of the KIF1C gene. It is expected to disrupt RNA splicing. Variants that disrupt the donor or acceptor splice site typically lead to a loss of protein function (PMID: 16199547), and loss-of-function variants in KIF1C are known to be pathogenic (PMID: 24319291, 24482476). This variant is not present in population databases (gnomAD no frequency). This variant has not been reported in the literature in individuals affected with KIF1C-related conditions. Algorithms developed to predict the effect of sequence changes on RNA splicing suggest that this variant may disrupt the consensus splice site. In summary, the currently available evidence indicates that the variant is pathogenic, but additional data are needed to prove that conclusively. Therefore, this variant has been classified as Likely Pathogenic.

Literature cited by the submitters: PubMed 16199547; PubMed 24319291; PubMed 24482476.